The following is an entry in ClinVar:

ClinVar aggregate classification (germline): Uncertain significance (1 of 4 stars; one submission).

Submission:

Labcorp Genetics (formerly Invitae), Labcorp
Classification: Uncertain significance. Last evaluated: 2025-06-02. Review status: criteria provided, single submitter. Criteria: Invitae Variant Classification Sherloc (09022015). Collection method: clinical testing. Allele origin: germline.
Comment: This variant results in the deletion of part of exon 47 (c.5844_5905+66del) of the FBN3 gene. It is expected to disrupt RNA splicing. Variants that disrupt the donor or acceptor splice site typically lead to a loss of protein function (PMID: 16199547), however the current clinical and genetic evidence is not sufficient to establish whether loss-of-function variants in FBN3 cause disease. This variant is present in population databases (no rsID available, gnomAD 0.01%). This variant has not been reported in the literature in individuals affected with FBN3-related conditions. In summary, the available evidence is currently insufficient to determine the role of this variant in disease. Therefore, it has been classified as a Variant of Uncertain Significance.

Literature cited by the submitters: PubMed 16199547.

NM_032447.5(FBN3):c.5844_5905+66del

Gene: FBN3 (fibrillin 3; minus strand). Cytogenetic location: 19p13.2.
Variant type: Deletion.
Coding change: c.5844_5905+66del on transcript NM_032447.5 (MANE Select); coding-DNA position 5844 through 66 bases into the intron after coding-DNA position 5905, 128 bases deleted.
Molecular consequence: splice donor variant.
Genome position (GRCh38, 1-based): chr19:8,094,380-8,094,507, 128 bases deleted. GRCh37 (hg19): chr19:8,159,265-8,159,392.
Other names: c.5844_5905+66del (NM_001321431.2).
Identifiers: ClinVar variation 4798866 (VCV004798866.1).